The following is an entry in ClinVar:

NM_002335.4(LRP5):c.2776T>C (p.Cys926Arg)

Gene: LRP5 (LDL receptor related protein 5; plus strand). Cytogenetic location: 11q13.2.
Variant type: single nucleotide variant.
Coding change: c.2776T>C on transcript NM_002335.4 (MANE Select); coding-DNA position 2776, T replaced by C.
Protein change: p.Cys926Arg; replaces cysteine 926 with arginine.
Molecular consequence: missense variant.
Genome position (GRCh38, 1-based): chr11:68,413,961, T>C. VCF-style: chr11-68413961-T-C. GRCh37 (hg19) VCF-style: chr11-68181429-T-C.
Other names: c.1033T>C, p.Cys345Arg (NM_001291902.2); short protein forms C926R, C345R.
Identifiers: ClinVar variation 3630251 (VCV003630251.2).
Genomic context (GRCh38, chr11:68,413,961, plus strand): 5'-TGTATGCACAACAACGGGCAGTGTGGGCAGCTGTGCCTTGCCATCCCCGGCGGCCACCGC[T>C]GCGGCTGCGCCTCACACTACACCCTGGACCCCAGCAGCCGCAACTGCAGCCGTAAGTGCC-3'
Protein context (NP_002326.2, residues 916-936): LCLAIPGGHR[Cys926Arg]GCASHYTLDP

ClinVar aggregate classification (germline): Uncertain significance (1 of 4 stars; one submission).

gnomAD v4.1: 1 of 1,607,684 alleles (0.000062%); no homozygotes.

Submission:

Labcorp Genetics (formerly Invitae), Labcorp
Classification: Uncertain significance. Last evaluated: 2024-04-29. Review status: criteria provided, single submitter. Criteria: Invitae Variant Classification Sherloc (09022015). Collection method: clinical testing. Allele origin: germline.
Comment: This sequence change replaces cysteine, which is neutral and slightly polar, with arginine, which is basic and polar, at codon 926 of the LRP5 protein (p.Cys926Arg). This variant is not present in population databases (gnomAD no frequency). This variant has not been reported in the literature in individuals affected with LRP5-related conditions. Advanced modeling of protein sequence and biophysical properties (such as structural, functional, and spatial information, amino acid conservation, physicochemical variation, residue mobility, and thermodynamic stability) performed at Invitae indicates that this missense variant is expected to disrupt LRP5 protein function with a positive predictive value of 95%. In summary, the available evidence is currently insufficient to determine the role of this variant in disease. Therefore, it has been classified as a Variant of Uncertain Significance.